The following is an entry in ClinVar:

NM_001374736.1(DST):c.19464+19A>G

Gene: DST (dystonin; minus strand). Cytogenetic location: 6p12.1.
Variant type: single nucleotide variant.
Coding change: c.19464+19A>G on transcript NM_001374736.1 (MANE Select); 19 bases into the intron after coding-DNA position 19464, A replaced by G.
Molecular consequence: intron variant.
Genome position (GRCh38, 1-based): chr6:56,506,424, T>C on the plus strand (A>G on the coding strand, the complement: DST is on the minus strand). VCF-style: chr6-56506424-T-C. GRCh37 (hg19) VCF-style: chr6-56371222-T-C.
Other names: c.13107+19A>G (NM_001144769.5); c.19464+19A>G (NM_001374722.1); c.19491+19A>G (NM_001374734.1); c.12693+19A>G (NM_001144770.2); c.12246+19A>G (NM_001374730.1); c.12573+19A>G (NM_001386100.1, NM_183380.4); c.18504+19A>G (NM_001374729.1); c.11595+19A>G (NM_015548.5).
Identifiers: ClinVar variation 2157010 (VCV002157010.2), dbSNP rs2096315573, ClinGen allele CA1630127062.

ClinVar aggregate classification (germline): Uncertain significance (1 of 4 stars; one submission).

Conditions:
Hereditary sensory and autonomic neuropathy type 6. Also called: HSAN VI; Neuropathy, hereditary sensory and autonomic, type VI. Identifiers: Orphanet 314381, MedGen C3539003, MONDO:0013839, OMIM 614653.
Epidermolysis bullosa simplex 3, localized or generalized intermediate, with BP230 deficiency (EBS3). Also called: Epidermolysis bullosa simplex due to BP230 deficiency; Epidermolysis bullosa simplex, autosomal recessive 2. Identifiers: Orphanet 412181, MedGen C3809470, MONDO:0014180, OMIM 615425.

Allele frequency attached by ClinVar (database versions not stated): TOPMed below 0.00001; gnomAD exomes 0.00001.
gnomAD v4.1: 13 of 1,593,766 alleles (0.00082%); highest among the groups gnomAD compares: Non-Finnish European, 0.0011%; no homozygotes.

Submission:

Labcorp Genetics (formerly Invitae), Labcorp
Classification: Uncertain significance for Epidermolysis bullosa simplex 3, localized or generalized intermediate, with BP230 deficiency; Hereditary sensory and autonomic neuropathy type 6. Last evaluated: 2022-05-06. Review status: criteria provided, single submitter. Criteria: Invitae Variant Classification Sherloc (09022015). Collection method: clinical testing. Allele origin: germline.
Comment: The DST gene has multiple clinically relevant transcripts. This variant occurs in alternate transcript NM_015548.4, and corresponds to NM_001723.5:c.*109093A>G in the primary transcript. This sequence change falls in intron 58 of the DST gene. It does not directly change the encoded amino acid sequence of the DST protein. This variant is not present in population databases (gnomAD no frequency). This variant has not been reported in the literature in individuals affected with DST-related conditions. Experimental studies and prediction algorithms are not available or were not evaluated, and the effect of this variant on mRNA splicing is currently unknown. In summary, the available evidence is currently insufficient to determine the role of this variant in disease. Therefore, it has been classified as a Variant of Uncertain Significance.